The following is an entry in ClinVar:

ClinVar aggregate classification (germline): Uncertain significance (1 of 4 stars; one submission).

Conditions:
Very long chain acyl-CoA dehydrogenase deficiency (ACADVLD). Also called: VLCAD Deficiency; Very Long-Chain Acyl-Coenzyme A Dehydrogenase Deficiency. Identifiers: Orphanet 26793, MedGen C3887523, MONDO:0008723, OMIM 201475.

Submission:

Labcorp Genetics (formerly Invitae), Labcorp
Classification: Uncertain significance for Very long chain acyl-CoA dehydrogenase deficiency. Last evaluated: 2022-06-11. Review status: criteria provided, single submitter. Criteria: Invitae Variant Classification Sherloc (09022015). Collection method: clinical testing. Allele origin: germline.
Comment: This sequence change replaces lysine, which is basic and polar, with asparagine, which is neutral and polar, at codon 204 of the ACADVL protein (p.Lys204Asn). This variant is not present in population databases (gnomAD no frequency). This variant has not been reported in the literature in individuals affected with ACADVL-related conditions. Algorithms developed to predict the effect of missense changes on protein structure and function (SIFT, PolyPhen-2, Align-GVGD) all suggest that this variant is likely to be tolerated. In summary, the available evidence is currently insufficient to determine the role of this variant in disease. Therefore, it has been classified as a Variant of Uncertain Significance.

NM_000018.4(ACADVL):c.612G>C (p.Lys204Asn)

Gene: ACADVL (acyl-CoA dehydrogenase very long chain; plus strand). Cytogenetic location: 17p13.1.
Variant type: single nucleotide variant.
Coding change: c.612G>C on transcript NM_000018.4 (MANE Select); coding-DNA position 612, G replaced by C.
Protein change: p.Lys204Asn; replaces lysine 204 with asparagine.
Molecular consequence: missense variant.
Genome position (GRCh38, 1-based): chr17:7,221,672, G>C. VCF-style: chr17-7221672-G-C. GRCh37 (hg19) VCF-style: chr17-7124991-G-C.
Other names: c.546G>C, p.Lys182Asn (NM_001033859.3); c.681G>C, p.Lys227Asn (NM_001270447.2); c.384G>C, p.Lys128Asn (NM_001270448.2); short protein forms K227N, K182N, K128N, K204N.
Identifiers: ClinVar variation 2140578 (VCV002140578.1), dbSNP rs149836890, ClinGen allele CA397723276.
Genomic context (GRCh38, chr17:7,221,672, plus strand): 5'-CGGTTTCAAAGGCATCCTGCTCTTTGGCACAAAGGCCCAGAAAGAAAAATACCTCCCCAA[G>C]CTGGCATCTGGTGAGGCAACCCTAGGAGAGCCAGGGATTGGGGGGCACACTGGGCTTGGC-3'
Protein context (NP_000009.1, residues 194-214): TKAQKEKYLP[Lys204Asn]LASGETVAAF